The following is an entry in ClinVar:

NM_001009944.3(PKD1):c.7993G>A (p.Ala2665Thr)

Gene: PKD1 (polycystin 1, transient receptor potential channel interacting; minus strand). Cytogenetic location: 16p13.3.
Variant type: single nucleotide variant.
Coding change: c.7993G>A on transcript NM_001009944.3 (MANE Select); coding-DNA position 7993, G replaced by A.
Protein change: p.Ala2665Thr; replaces alanine 2665 with threonine.
Molecular consequence: missense variant.
Genome position (GRCh38, 1-based): chr16:2,105,345, C>T on the plus strand (G>A on the coding strand, the complement: PKD1 is on the minus strand). VCF-style: chr16-2105345-C-T. GRCh37 (hg19) VCF-style: chr16-2155346-C-T.
Other names: c.7993G>A, p.Ala2665Thr (NM_000296.4); c.7993G>A (NM_001009944.2); short protein forms A2665T.
Identifiers: ClinVar variation 440140 (VCV000440140.14), dbSNP rs764822533, ClinGen allele CA7830790.

ClinVar aggregate classification (germline): Conflicting classifications of pathogenicity. Review status: criteria provided, conflicting classifications (1 of 4 stars). 5 submissions from 5 submitters: Uncertain significance (3); Likely benign (1). 1 of the submissions does not count toward it. Last evaluated 2026-04-10.

Conditions:
PKD1-related disorder. Also called: PKD1-related condition.
Inborn genetic diseases. Identifiers: MedGen C0950123, MeSH D030342.
Polycystic kidney disease. Also called: Kidney, Polycystic; Polycystic kidney dysplasia. Identifiers: HP:0000113, MedGen C0022680, MeSH D007690, MONDO:0020642.

Allele frequency attached by ClinVar (database versions not stated): TOPMed 0.00008; gnomAD 0.00014 and 0.00016; gnomAD exomes 0.00016; ExAC 0.00034.
gnomAD v4.1: 128 of 1,592,698 alleles (0.008%); highest among the groups gnomAD compares: African/African-American, 0.05%; no homozygotes.

Submissions (5):

PreventionGenetics, part of Exact Sciences
Classification: Uncertain significance for PKD1-related condition. Last evaluated: 2026-04-10. Review status: criteria provided, single submitter. Criteria: ACMG Guidelines, 2015. Collection method: clinical testing. Allele origin: germline.
Comment: The PKD1 c.7993G>A variant is predicted to result in the amino acid substitution p.Ala2665Thr. To our knowledge, this variant has not been reported in the literature. This variant is reported in 0.033% of alleles in individuals of African descent in gnomAD. At this time, the clinical significance of this variant is uncertain due to the absence of conclusive functional and genetic evidence.

Blueprint Genetics
Classification: Likely benign. Last evaluated: 2024-07-29. Review status: criteria provided, single submitter. Criteria: ACMG Guidelines, 2015. Collection method: clinical testing. Allele origin: germline.

Ambry Genetics
Classification: Uncertain significance for Inborn genetic diseases. Last evaluated: 2022-01-10. Review status: criteria provided, single submitter. Criteria: Ambry Variant Classification Scheme 2023. Collection method: clinical testing. Allele origin: germline.

ARUP Laboratories, Molecular Genetics and Genomics, ARUP Laboratories
Classification: Uncertain significance. Last evaluated: 2017-04-07. Review status: criteria provided, single submitter. Criteria: ARUP Molecular Germline Variant Investigation Process. Collection method: clinical testing. Allele origin: germline.

Department of Pathology and Laboratory Medicine, Sinai Health System
Classification: Likely benign for Polycystic Kidney disease. Review status: no assertion criteria provided. Collection method: clinical testing. Allele origin: unknown. Affected: yes. Study: The Canadian Open Genetics Repository (COGR). Not counted in ClinVar's aggregate classification.
Comment: The PKD1 p.Ala2665Thr variant was not identified in the literature nor was it identified in the LOVD 3.0, or PKD1-LOVD databases. The variant was identified in dbSNP (ID: rs764822533) as â€šÃ„ÃºWith Uncertain significance alleleâ€šÃ„Ã¹, ClinVar (as uncertain significance by ARUP), and ADPKD Mutation Database (as likely neutral).The variant was identified in control databases in 46 of 252584 chromosomes at a frequency of 0.000182 increasing the likelihood this could be a low frequency benign variant (Genome Aggregation Database Feb 27, 2017). The variant was observed in the following populations: African in 8 of 20620 chromosomes (freq: 0.000388), European (Non-Finnish) in 35 of 118230 chromosomes (freq: 0.000296), and European (Finnish) in 3 of 15240 chromosomes (freq: 0.000197), while the variant was not observed in the Other, Latino, Ashkenazi Jewish, East Asian, and South Asian populations. In addition we cannot be certain that data from control databases is specific to PKD1 and not from one of the six PKD1 pseudogenes. The variant was identified with a co-occurring pathogenic PKD1 variant (p.Leu727Pro), increasing the likelihood that the p.Ala2665Thr variant does not have clinical significance. The p.Ala2665 residue is not conserved in mammals and the variant amino acid Threonine (Thr) is present in rats and mice, increasing the likelihood that this variant does not have clinical significance. In addition, computational analyses (PolyPhen-2, SIFT, AlignGVGD, BLOSUM, MutationTaster) do not suggest a high likelihood of impact to the protein; however, this information is not predictive enough to rule out pathogenicity. The variant occurs outside of the splicing consensus sequence and in silico or computational prediction software programs (SpliceSiteFinder, MaxEntScan, NNSPLICE, GeneSplicer) do not predict a difference in splicing. In summary, based on the above information the clinical significance of this variant cannot be determined with certainty at this time although we would lean towards a more benign role for this variant. This variant is classified as likely benign.